The following is an entry in ClinVar:

ClinVar aggregate classification (germline): Likely pathogenic (1 of 4 stars; one submission).

Submissions (2):

Labcorp Genetics (formerly Invitae), Labcorp
Classification: Likely pathogenic. Last evaluated: 2023-10-17. Review status: criteria provided, single submitter. Criteria: Invitae Variant Classification Sherloc (09022015). Collection method: clinical testing. Allele origin: germline.
Comment: This sequence change affects an acceptor splice site in intron 24 of the POLE gene. It is expected to disrupt RNA splicing. Variants that disrupt the donor or acceptor splice site typically lead to a loss of protein function (PMID: 16199547), and loss-of-function variants in POLE are known to be pathogenic (PMID: 23230001, 25948378, 30503519). The frequency data for this variant in the population databases is considered unreliable, as metrics indicate poor data quality at this position in the gnomAD database. This variant has not been reported in the literature in individuals affected with POLE-related conditions. Algorithms developed to predict the effect of sequence changes on RNA splicing suggest that this variant may disrupt the consensus splice site. In summary, the currently available evidence indicates that the variant is pathogenic, but additional data are needed to prove that conclusively. Therefore, this variant has been classified as Likely Pathogenic.

Dr. Peter K. Rogan Lab, Western University
No classification provided (evidence only). Condition: Papillary renal cell carcinoma type 1. Review status: no classification provided. Collection method: in vitro. Allele origin: not applicable. Functional consequence: retained intron. Not counted in ClinVar's aggregate classification.

Literature cited by the submitters: PubMed 16199547 (cited by Labcorp Genetics (formerly Invitae), Labcorp); PubMed 23230001 (cited by Labcorp Genetics (formerly Invitae), Labcorp); PubMed 25948378 (cited by Labcorp Genetics (formerly Invitae), Labcorp); PubMed 30503519 (cited by Labcorp Genetics (formerly Invitae), Labcorp).

NM_006231.4(POLE):c.2865-2A>T

Gene: POLE (DNA polymerase epsilon, catalytic subunit; minus strand). Cytogenetic location: 12q24.33.
Variant type: single nucleotide variant.
Coding change: c.2865-2A>T on transcript NM_006231.4 (MANE Select); the canonical splice acceptor site of the intron before coding-DNA position 2865, A replaced by T.
Molecular consequence: splice acceptor variant.
Genome position (GRCh38, 1-based): chr12:132,661,166, T>A on the plus strand (A>T on the coding strand, the complement: POLE is on the minus strand). VCF-style: chr12-132661166-T-A. GRCh37 (hg19) VCF-style: chr12-133237752-T-A.
Identifiers: ClinVar variation 2853338 (VCV002853338.4), dbSNP rs867360056, ClinGen allele CA387393038.